The following is an entry in ClinVar:

NM_024675.4(PALB2):c.3286A>G (p.Asn1096Asp)

Gene: PALB2 (partner and localizer of BRCA2; minus strand). Cytogenetic location: 16p12.2.
Variant type: single nucleotide variant.
Coding change: c.3286A>G on transcript NM_024675.4 (MANE Select); coding-DNA position 3286, A replaced by G.
Protein change: p.Asn1096Asp; replaces asparagine 1096 with aspartic acid.
Molecular consequence: missense variant.
Genome position (GRCh38, 1-based): chr16:23,607,928, T>C on the plus strand (A>G on the coding strand, the complement: PALB2 is on the minus strand). VCF-style: chr16-23607928-T-C. GRCh37 (hg19) VCF-style: chr16-23619249-T-C.
Other names: short protein forms N1096D.
Identifiers: ClinVar variation 422428 (VCV000422428.18), dbSNP rs62625281, ClinGen allele CA16620113.

ClinVar aggregate classification (germline): Uncertain significance. Review status: criteria provided, multiple submitters, no conflicts (2 of 4 stars). 4 submissions from 4 submitters: Uncertain significance (4). Last evaluated 2025-04-05.

Conditions:
Hereditary cancer-predisposing syndrome. Also called: Hereditary neoplastic syndrome; Neoplastic Syndromes, Hereditary; Tumor predisposition; Hereditary Cancer Syndrome. Identifiers: Orphanet 140162, MedGen C0027672, MeSH D009386, MONDO:0015356.
Familial cancer of breast. Also called: Hereditary breast cancer; BREAST CANCER, FAMILIAL; hereditary breast carcinoma. Identifiers: Orphanet 227535, MedGen C0346153, MONDO:0016419, OMIM 114480. Disease mechanism: loss of function.

Allele frequency attached by ClinVar (database versions not stated): gnomAD exomes below 0.00001.
gnomAD v4.1: 2 of 1,614,170 alleles (0.00012%); highest among the groups gnomAD compares: Non-Finnish European, 0.000085%; no homozygotes.

Submissions (4):

Ambry Genetics
Classification: Uncertain significance for Hereditary cancer-predisposing syndrome. Last evaluated: 2025-04-05. Review status: criteria provided, single submitter. Criteria: Ambry Variant Classification Scheme 2023. Collection method: clinical testing. Allele origin: germline.
Comment: The p.N1096D variant (also known as c.3286A>G), located in coding exon 12 of the PALB2 gene, results from an A to G substitution at nucleotide position 3286. The asparagine at codon 1096 is replaced by aspartic acid, an amino acid with highly similar properties. This amino acid position is conserved. In addition, this alteration is predicted to be tolerated by in silico analysis. Since supporting evidence is limited at this time, the clinical significance of this alteration remains unclear.

Labcorp Genetics (formerly Invitae), Labcorp
Classification: Uncertain significance for Familial cancer of breast. Last evaluated: 2024-04-16. Review status: criteria provided, single submitter. Criteria: Invitae Variant Classification Sherloc (09022015). Collection method: clinical testing. Allele origin: germline.
Comment: This sequence change replaces asparagine, which is neutral and polar, with aspartic acid, which is acidic and polar, at codon 1096 of the PALB2 protein (p.Asn1096Asp). This variant is not present in population databases (gnomAD no frequency). This variant has not been reported in the literature in individuals affected with PALB2-related conditions. ClinVar contains an entry for this variant (Variation ID: 422428). An algorithm developed to predict the effect of missense changes on protein structure and function (PolyPhen-2) suggests that this variant is likely to be disruptive. In summary, the available evidence is currently insufficient to determine the role of this variant in disease. Therefore, it has been classified as a Variant of Uncertain Significance.

Color Diagnostics, LLC DBA Color Health
Classification: Uncertain significance for Hereditary cancer-predisposing syndrome. Last evaluated: 2024-03-06. Review status: criteria provided, single submitter. Criteria: ACMG Guidelines, 2015. Collection method: clinical testing. Allele origin: germline.
Comment: This missense variant replaces asparagine with aspartic acid at codon 1096 of the PALB2 protein. Computational prediction suggests that this variant may not impact protein structure and function (internally defined REVEL score threshold <= 0.5, PMID: 27666373). To our knowledge, functional studies have not been reported for this variant. This variant has not been reported in individuals affected with hereditary cancer in the literature. This variant has not been identified in the general population by the Genome Aggregation Database (gnomAD). The available evidence is insufficient to determine the role of this variant in disease conclusively. Therefore, this variant is classified as a Variant of Uncertain Significance.

GeneDx
Classification: Uncertain significance. Last evaluated: 2017-04-04. Review status: criteria provided, single submitter. Criteria: GeneDx Variant Classification (06012015). Collection method: clinical testing. Allele origin: germline. Affected: yes.
Comment: This variant is denoted PALB2 c.3286A>G at the cDNA level, p.Asn1096Asp (N1096D) at the protein level, and results in the change of an Asparagine to an Aspartic Acid (AAC>GAC). This variant has not, to our knowledge, been published in the literature as pathogenic or benign. PALB2 Asn1096Asp was not observed in large population cohorts (NHLBI Exome Sequencing Project, The 1000 Genomes Consortium 2015, Lek 2016). Since Asparagine and Aspartic Acid differ in some properties, this is considered a semi-conservative amino acid substitution. PALB2 Asn1096Asp occurs at a position that is conserved in mammals and is located in the WD5 repeat and the region of interaction with RAD51, BRCA2, POLH, and required for POLH DNA synthesis stimulation (UniProt). In silico analyses predict that this variant is probably damaging to protein structure and function. Based on currently available evidence, it is unclear whether PALB2 Asn1096Asp is a pathogenic or benign variant. We consider it to be a variant of uncertain significance.